The following is an entry in ClinVar:

ClinVar aggregate classification (germline): Uncertain significance. Review status: criteria provided, multiple submitters, no conflicts (2 of 4 stars). 3 submissions from 3 submitters: Uncertain significance (3). Last evaluated 2024-05-10.

Conditions:
Hereditary cancer-predisposing syndrome. Also called: Neoplastic Syndromes, Hereditary; Tumor predisposition; Hereditary Cancer Syndrome; Hereditary neoplastic syndrome. Identifiers: Orphanet 140162, MedGen C0027672, MeSH D009386, MONDO:0015356.
Ataxia-telangiectasia-like disorder 1 (ATLD1). Identifiers: Orphanet 251347, MedGen C4012790, MONDO:0024557, OMIM 604391.
Ataxia-telangiectasia-like disorder (ATLD). Identifiers: MedGen C1858391, MONDO:0011457.

Allele frequency attached by ClinVar (database versions not stated): ExAC 0.00001; gnomAD 0.00001; gnomAD exomes 0.00001; TOPMed 0.00001.
gnomAD v4.1: 3 of 1,610,430 alleles (0.00019%); highest among the groups gnomAD compares: Admixed American, 0.0033%; no homozygotes.

Submissions (3):

Ambry Genetics
Classification: Uncertain significance for Hereditary cancer-predisposing syndrome. Last evaluated: 2024-05-10. Review status: criteria provided, single submitter. Criteria: Ambry Variant Classification Scheme 2023. Collection method: clinical testing. Allele origin: germline.
Comment: The p.M618R variant (also known as c.1853T>G), located in coding exon 15 of the MRE11A gene, results from a T to G substitution at nucleotide position 1853. The methionine at codon 618 is replaced by arginine, an amino acid with similar properties. This amino acid position is highly conserved in available vertebrate species. In addition, this alteration is predicted to be deleterious by in silico analysis. Since supporting evidence is limited at this time, the clinical significance of this alteration remains unclear.

Labcorp Genetics (formerly Invitae), Labcorp
Classification: Uncertain significance for Ataxia-telangiectasia-like disorder. Last evaluated: 2022-05-14. Review status: criteria provided, single submitter. Criteria: Invitae Variant Classification Sherloc (09022015). Collection method: clinical testing. Allele origin: germline.
Comment: This sequence change replaces methionine, which is neutral and non-polar, with arginine, which is basic and polar, at codon 618 of the MRE11 protein (p.Met618Arg). This variant is present in population databases (rs748933763, gnomAD 0.003%). This variant has not been reported in the literature in individuals affected with MRE11-related conditions. ClinVar contains an entry for this variant (Variation ID: 233699). Algorithms developed to predict the effect of missense changes on protein structure and function (SIFT, PolyPhen-2, Align-GVGD) all suggest that this variant is likely to be tolerated. In summary, the available evidence is currently insufficient to determine the role of this variant in disease. Therefore, it has been classified as a Variant of Uncertain Significance.

Illumina Laboratory Services, Illumina
Classification: Uncertain significance for Ataxia-telangiectasia-like disorder 1. Last evaluated: 2018-01-13. Review status: criteria provided, single submitter. Criteria: ICSL Variant Classification Criteria 13 December 2019. Collection method: clinical testing. Allele origin: germline.

NM_005591.4(MRE11):c.1853T>G (p.Met618Arg)

Gene: MRE11 (MRE11 double strand break repair nuclease; minus strand). Cytogenetic location: 11q21.
Variant type: single nucleotide variant.
Coding change: c.1853T>G on transcript NM_005591.4 (MANE Select); coding-DNA position 1853, T replaced by G.
Protein change: p.Met618Arg; replaces methionine 618 with arginine.
Molecular consequence: missense variant. On other transcripts: intron variant (1).
Genome position (GRCh38, 1-based): chr11:94,445,824, A>C on the plus strand (T>G on the coding strand, the complement: MRE11 is on the minus strand). VCF-style: chr11-94445824-A-C. GRCh37 (hg19) VCF-style: chr11-94178990-A-C.
Other names: c.1850T>G, p.Met617Arg (NM_001330347.2); c.1783+1395T>G (NM_005590.4); short protein forms M618R, M617R.
Identifiers: ClinVar variation 233699 (VCV000233699.15), dbSNP rs748933763, ClinGen allele CA6234979.
Genomic context (GRCh38, chr11:94,445,824, plus strand): 5'-TTCTAATGTTGGAATTTATAAATAATCACTTGCAGTCTATACTCACCATCTATAATAGAC[A>C]TATTTCTAGATGCTGACACAGCAGTCTTTGAGTTCCTGCTACGGGTAGAAGTCTCCAGAC-3'
Protein context (NP_005582.1, residues 608-628): SKTAVSASRN[Met618Arg]SIIDAFKSTR